The following is an entry in ClinVar:

NM_018127.7(ELAC2):c.2149G>A (p.Ala717Thr)

Gene: ELAC2 (elaC ribonuclease Z 2; minus strand). Cytogenetic location: 17p12.
Variant type: single nucleotide variant.
Coding change: c.2149G>A on transcript NM_018127.7 (MANE Select); coding-DNA position 2149, G replaced by A.
Protein change: p.Ala717Thr; replaces alanine 717 with threonine.
Molecular consequence: missense variant.
Genome position (GRCh38, 1-based): chr17:12,993,791, C>T on the plus strand (G>A on the coding strand, the complement: ELAC2 is on the minus strand). VCF-style: chr17-12993791-C-T. GRCh37 (hg19) VCF-style: chr17-12897108-C-T.
Other names: c.2029G>A, p.Ala677Thr (NM_001165962.2); c.2146G>A, p.Ala716Thr (NM_173717.2); short protein forms A716T, A717T, A677T.
Identifiers: ClinVar variation 1038127 (VCV001038127.2), dbSNP rs796103645, ClinGen allele CA288075733.
Genomic context (GRCh38, chr17:12,993,791, plus strand): 5'-GGCTGAAGAGGGGGACCTTGGCATAGCGCTGGCTGAAGTGGTTCAGCATAATGAACTCCG[C>T]GTTCATCCGCATCCCCACGCTGATGGCTTGGGACGTTGTGCTGCAGGTGAAGGACAGAGC-3'
Protein context (NP_060597.4, residues 707-727): QAISVGMRMN[Ala717Thr]EFIMLNHFSQ

ClinVar aggregate classification (germline): Uncertain significance (1 of 4 stars; one submission).

Conditions:
Combined oxidative phosphorylation defect type 17. Also called: Combined oxidative phosphorylation deficiency 17. Identifiers: Orphanet 369913, MedGen C3809526, MONDO:0014190, OMIM 615440.

Allele frequency attached by ClinVar (database versions not stated): gnomAD 0.00001 and 0.00002; gnomAD exomes 0.00001; TOPMed 0.00002.
gnomAD v4.1: 19 of 1,614,062 alleles (0.0012%); highest among the groups gnomAD compares: East Asian, 0.0022%; no homozygotes.

Submission:

Labcorp Genetics (formerly Invitae), Labcorp
Classification: Uncertain significance for Combined oxidative phosphorylation defect type 17. Last evaluated: 2021-08-27. Review status: criteria provided, single submitter. Criteria: Invitae Variant Classification Sherloc (09022015). Collection method: clinical testing. Allele origin: germline.
Comment: This sequence change replaces alanine with threonine at codon 717 of the ELAC2 protein (p.Ala717Thr). The alanine residue is highly conserved and there is a small physicochemical difference between alanine and threonine. This variant is not present in population databases (ExAC no frequency). This variant has not been reported in the literature in individuals affected with ELAC2-related conditions. Algorithms developed to predict the effect of missense changes on protein structure and function (SIFT, PolyPhen-2, Align-GVGD) all suggest that this variant is likely to be disruptive. In summary, the available evidence is currently insufficient to determine the role of this variant in disease. Therefore, it has been classified as a Variant of Uncertain Significance.